The following is an entry in ClinVar:

NM_001184.4(ATR):c.4960G>T (p.Ala1654Ser)

Gene: ATR (ATR checkpoint kinase; minus strand). Cytogenetic location: 3q23.
Variant type: single nucleotide variant.
Coding change: c.4960G>T on transcript NM_001184.4 (MANE Select); coding-DNA position 4960, G replaced by T.
Protein change: p.Ala1654Ser; replaces alanine 1654 with serine.
Molecular consequence: missense variant.
Genome position (GRCh38, 1-based): chr3:142,508,002, C>A on the plus strand (G>T on the coding strand, the complement: ATR is on the minus strand). VCF-style: chr3-142508002-C-A. GRCh37 (hg19) VCF-style: chr3-142226844-C-A.
Other names: c.4768G>T, p.Ala1590Ser (NM_001354579.2); short protein forms A1590S, A1654S.
Identifiers: ClinVar variation 1744415 (VCV001744415.2), dbSNP rs2473200109, ClinGen allele CA354820608.

ClinVar aggregate classification (germline): Uncertain significance (1 of 4 stars; one submission).

Conditions:
Inborn genetic diseases. Identifiers: MedGen C0950123, MeSH D030342.

Submission:

Ambry Genetics
Classification: Uncertain significance for Inborn genetic diseases. Last evaluated: 2024-01-07. Review status: criteria provided, single submitter. Criteria: Ambry Variant Classification Scheme 2023. Collection method: clinical testing. Allele origin: germline.
Comment: The p.A1654S variant (also known as c.4960G>T), located in coding exon 28 of the ATR gene, results from a G to T substitution at nucleotide position 4960. The alanine at codon 1654 is replaced by serine, an amino acid with similar properties. This amino acid position is conserved. In addition, this alteration is predicted to be tolerated by in silico analysis. Since supporting evidence is limited at this time, the clinical significance of this alteration remains unclear.